The following is an entry in ClinVar:

ClinVar aggregate classification (germline): Uncertain significance (1 of 4 stars; one submission).

Submission:

GeneDx
Classification: Uncertain significance. Last evaluated: 2024-09-03. Review status: criteria provided, single submitter. Criteria: GeneDx Variant Classification Process June 2021. Collection method: clinical testing. Allele origin: germline. Affected: yes.
Comment: Not observed at significant frequency in large population cohorts (gnomAD); In silico analysis supports that this missense variant has a deleterious effect on protein structure/function; Has not been previously published as pathogenic or benign to our knowledge

NM_001195263.2(PDZD7):c.203T>G (p.Ile68Ser)

Gene: PDZD7 (PDZ domain containing 7; minus strand). Cytogenetic location: 10q24.31.
Variant type: single nucleotide variant.
Coding change: c.203T>G on transcript NM_001195263.2 (MANE Select); coding-DNA position 203, T replaced by G.
Protein change: p.Ile68Ser; replaces isoleucine 68 with serine.
Molecular consequence: missense variant.
Genome position (GRCh38, 1-based): chr10:101,030,017, A>C on the plus strand (T>G on the coding strand, the complement: PDZD7 is on the minus strand). VCF-style: chr10-101030017-A-C. GRCh37 (hg19) VCF-style: chr10-102789774-A-C.
Other names: c.203T>G, p.Ile68Ser (NM_001351044.2, NM_024895.5); short protein forms I68S.
Identifiers: ClinVar variation 3767713 (VCV003767713.1).
Genomic context (GRCh38, chr10:101,030,017, plus strand): 5'-TCCCCAACCCAGGCCAGTGGCTGGGTCCCGCCCCTACCTTCGATGGGGGAGTTGATGAGG[A>C]TGACGCGTCCCATGGGCGATGAGGCTCGGATTCCGCGGGGGGGCCCGTTCAGCAGCCGTT-3'
Protein context (NP_001182192.1, residues 58-78): IRASSPMGRV[Ile68Ser]LINSPIEANS